The following is an entry in ClinVar:

NM_177924.5(ASAH1):c.997C>T (p.Arg333Cys)

Gene: ASAH1 (N-acylsphingosine amidohydrolase 1; minus strand). Cytogenetic location: 8p22.
Variant type: single nucleotide variant.
Coding change: c.997C>T on transcript NM_177924.5 (MANE Select); coding-DNA position 997, C replaced by T.
Protein change: p.Arg333Cys; replaces arginine 333 with cysteine.
Molecular consequence: missense variant.
Genome position (GRCh38, 1-based): chr8:18,059,385, G>A on the plus strand (C>T on the coding strand, the complement: ASAH1 is on the minus strand). VCF-style: chr8-18059385-G-A. GRCh37 (hg19) VCF-style: chr8-17916894-G-A.
Other names: c.979C>T, p.Arg327Cys (NM_001127505.3); c.802C>T, p.Arg268Cys (NM_001363743.2); c.1045C>T, p.Arg349Cys (NM_004315.6); short protein forms R327C, R349C, R268C, R333C.
Identifiers: ClinVar variation 812490 (VCV000812490.23), dbSNP rs543697946, ClinGen allele CA370427378.

ClinVar aggregate classification (germline): Pathogenic/Likely pathogenic. Review status: criteria provided, multiple submitters, no conflicts (2 of 4 stars). 4 submissions from 4 submitters: Pathogenic (1); Likely pathogenic (3). Last evaluated 2025-10-01.

Conditions:
Farber lipogranulomatosis (FRBRL). Also called: AC DEFICIENCY; ACID CERAMIDASE DEFICIENCY; CERAMIDASE DEFICIENCY; N-LAURYLSPHINGOSINE DEACYLASE DEFICIENCY; Farber's disease; Farber disease. Identifiers: Orphanet 333, MedGen C0268255, MONDO:0009218, OMIM 228000.
Spinal muscular atrophy-progressive myoclonic epilepsy syndrome. Also called: Hereditary myoclonus and progressive distal muscular atrophy; MYOCLONUS, HEREDITARY, WITH PROGRESSIVE DISTAL MUSCULAR ATROPHY; Spinal muscular atrophy with progressive myoclonic epilepsy; Spinal Muscular Atrophy with Progressive Myoclonic Epilepsy (SMA-PME). Identifiers: Orphanet 2590, MedGen C1834569, MONDO:0008045, OMIM 159950.

Allele frequency attached by ClinVar (database versions not stated): TOPMed below 0.00001; gnomAD 0.00003.
gnomAD v4.1: 2 of 1,614,056 alleles (0.00012%); highest among the groups gnomAD compares: Non-Finnish European, 0.00017%; no homozygotes.

Submissions (4):

Labcorp Genetics (formerly Invitae), Labcorp
Classification: Likely pathogenic. Last evaluated: 2025-10-01. Review status: criteria provided, single submitter. Criteria: Invitae Variant Classification Sherloc (09022015). Collection method: clinical testing. Allele origin: germline.
Comment: This sequence change replaces arginine, which is basic and polar, with cysteine, which is neutral and slightly polar, at codon 333 of the ASAH1 protein (p.Arg333Cys). This variant is present in population databases (no rsID available, gnomAD 0.007%). This missense change has been observed in individuals with Farber disease (PMID: 27411168, 28733637). This variant is also known as c.1045C>T(p.Arg349Cys). ClinVar contains an entry for this variant (Variation ID: 812490). Invitae Evidence Modeling of protein sequence and biophysical properties (such as structural, functional, and spatial information, amino acid conservation, physicochemical variation, residue mobility, and thermodynamic stability) indicates that this missense variant is expected to disrupt ASAH1 protein function with a positive predictive value of 80%. This variant disrupts the p.Arg333 amino acid residue in ASAH1. Other variant(s) that disrupt this residue have been observed in individuals with ASAH1-related conditions (PMID: 24355074, 28733637), which suggests that this may be a clinically significant amino acid residue. In summary, the currently available evidence indicates that the variant is pathogenic, but additional data are needed to prove that conclusively. Therefore, this variant has been classified as Likely Pathogenic.

CeGaT Center for Human Genetics Tuebingen
Classification: Pathogenic. Last evaluated: 2024-12-01. Review status: criteria provided, single submitter. Criteria: CeGaT Center For Human Genetics Tuebingen Variant Classification Criteria Version 2. Collection method: clinical testing. Allele origin: germline. Affected: yes. Observed: 3 variant alleles.
Comment: ASAH1: PM3:Strong, PM1, PM2, PM5

Medical Affairs, Dicerna Pharmaceuticals
Classification: Likely pathogenic for Farber lipogranulomatosis. Last evaluated: 2019-06-19. Review status: criteria provided, single submitter. Criteria: ACMG Guidelines, 2015. Collection method: literature only. Allele origin: inherited. Inheritance: Autosomal recessive inheritance. Affected: yes. Observed: 2 variant alleles.
Comment: Variant c.997C>T is likely pathogenic based on the following rationale. Variant c.997C>T has been identified in 2 patients diagnosed with Farber disease from unrelated families. Kim et al., 2016, DOI: 10.1002/ajmg.a.37846 is an infant with characteristic clinical features of Type 1 Farber disease (Gene Reviews). Whole exome sequencing was conducted and compound heterozygous variants were identified in the ASAH1 gene, c.703G>C and c.997C>T. When analyzed using public databases (dbSNP build 137; 1000 Genomes Project release 10.31.2012; NHLBI Exome Sequencing Project), variants were determined to be rare with pathogenic consequences according to Polyphen and SIFT analyses. Variant c.997C>T has also been identified in a second Farber disease patient described in Cozma et al., 2017, DOI:10.1038/s41598-017-06604-2. Additional ceramide biomarker testing was completed in this patient along with 2 additional newborn patients diagnosed with Farber disease demonstrating C26:0 levels were significantly higher in this cohort compared to controls.

These variants were not identified in public databases (dbSNP build 137; 1000 Genomes Project release 10.31.2012; NHLBI Exome Sequencing Project. The variant was projected to be pathogenic using Polyphen and SIFT in silico analyses of missense variants.

Juno Genomics, Hangzhou Juno Genomics, Inc
Classification: Likely pathogenic for Spinal muscular atrophy-progressive myoclonic epilepsy syndrome. Review status: criteria provided, single submitter. Criteria: ACMG Guidelines, 2015. Collection method: clinical testing. Allele origin: germline. Affected: yes.
Comment: Absent from controls (or at extremely low frequency if recessive) in Genome Aggregation Database, Exome Sequencing Project, 1000 Genomes Project, or Exome Aggregation Consortium.;Multiple lines of computational evidence support a deleterious effect on the gene or gene product (conservation, evolutionary, splicing impact, etc).;For recessive disorders, detected in trans with a pathogenic variant.;Patient's phenotype or family history is highly specific for a disease with a single genetic etiology.

Literature cited by the submitters: PubMed 27411168 (cited by Labcorp Genetics (formerly Invitae), Labcorp); PubMed 28733637 (cited by Labcorp Genetics (formerly Invitae), Labcorp); PubMed 24355074 (cited by Labcorp Genetics (formerly Invitae), Labcorp); DOI 10.1002/ajmg.a.37846 (cited by Medical Affairs, Dicerna Pharmaceuticals).